The following is an entry in ClinVar:

ClinVar aggregate classification (germline): Uncertain significance (1 of 4 stars; one submission).

Submission:

Labcorp Genetics (formerly Invitae), Labcorp
Classification: Uncertain significance. Last evaluated: 2021-10-20. Review status: criteria provided, single submitter. Criteria: Invitae Variant Classification Sherloc (09022015). Collection method: clinical testing. Allele origin: germline.
Comment: In summary, the available evidence is currently insufficient to determine the role of this variant in disease. Therefore, it has been classified as a Variant of Uncertain Significance. Algorithms developed to predict the effect of missense changes on protein structure and function (SIFT, PolyPhen-2, Align-GVGD) all suggest that this variant is likely to be tolerated. This variant has not been reported in the literature in individuals affected with WDR1-related conditions. This variant is not present in population databases (ExAC no frequency). This sequence change replaces histidine with glutamine at codon 345 of the WDR1 protein (p.His345Gln). The histidine residue is moderately conserved and there is a small physicochemical difference between histidine and glutamine.

NM_017491.5(WDR1):c.1035C>A (p.His345Gln)

Gene: WDR1 (WD repeat domain 1; minus strand). Cytogenetic location: 4p16.1.
Variant type: single nucleotide variant.
Coding change: c.1035C>A on transcript NM_017491.5 (MANE Select); coding-DNA position 1035, C replaced by A.
Protein change: p.His345Gln; replaces histidine 345 with glutamine.
Molecular consequence: missense variant.
Genome position (GRCh38, 1-based): chr4:10,084,447, G>T on the plus strand (C>A on the coding strand, the complement: WDR1 is on the minus strand). VCF-style: chr4-10084447-G-T. GRCh37 (hg19) VCF-style: chr4-10086071-G-T.
Other names: c.615C>A, p.His205Gln (NM_005112.5); short protein forms H205Q, H345Q.
Identifiers: ClinVar variation 1388238 (VCV001388238.6), dbSNP rs1048558644, ClinGen allele CA356360327.
Genomic context (GRCh38, chr4:10,084,447, plus strand): 5'-GAAATTCCCCCCTAGAGCCAGCGGCTCCGGAGCCAGCTCTTTGAGTCAAAGGATATTAAT[G>T]TGTCCGTCGTGGCTCCCAGAGTAAATGTAGGACTTGCCGCCGTTTTTATGCACCGTCAGA-3'
Protein context (NP_059830.1, residues 335-355): SYIYSGSHDG[His345Gln]INYWDSETGE